The following is an entry in ClinVar:

NM_000051.4(ATM):c.4051T>A (p.Leu1351Ile)

Gene: ATM (ATM serine/threonine kinase; plus strand). Cytogenetic location: 11q22.3.
Variant type: single nucleotide variant.
Coding change: c.4051T>A on transcript NM_000051.4 (MANE Select); coding-DNA position 4051, T replaced by A.
Protein change: p.Leu1351Ile; replaces leucine 1351 with isoleucine.
Molecular consequence: missense variant.
Genome position (GRCh38, 1-based): chr11:108,287,657, T>A. VCF-style: chr11-108287657-T-A. GRCh37 (hg19) VCF-style: chr11-108158384-T-A.
Other names: c.4051T>A, p.Leu1351Ile (NM_001351834.2); short protein forms L1351I.
Identifiers: ClinVar variation 824540 (VCV000824540.4), dbSNP rs1591655873, ClinGen allele CA382527911.

ClinVar aggregate classification (germline): Uncertain significance (1 of 4 stars; one submission).

Conditions:
Hereditary cancer-predisposing syndrome. Also called: Neoplastic Syndromes, Hereditary; Tumor predisposition; Hereditary neoplastic syndrome; Hereditary Cancer Syndrome. Identifiers: Orphanet 140162, MedGen C0027672, MeSH D009386, MONDO:0015356.

Allele frequency attached by ClinVar (database versions not stated): gnomAD exomes below 0.00001.
gnomAD v4.1: 1 of 1,613,904 alleles (0.000062%); highest among the groups gnomAD compares: Non-Finnish European, 0.000085%; no homozygotes.

Submission:

Ambry Genetics
Classification: Uncertain significance for Hereditary cancer-predisposing syndrome. Last evaluated: 2019-01-02. Review status: criteria provided, single submitter. Criteria: Ambry Variant Classification Scheme 2023. Collection method: clinical testing. Allele origin: germline.
Comment: The p.L1351I variant (also known as c.4051T>A), located in coding exon 26 of the ATM gene, results from a T to A substitution at nucleotide position 4051. The leucine at codon 1351 is replaced by isoleucine, an amino acid with highly similar properties. This amino acid position is highly conserved in available vertebrate species. In addition, the in silico prediction for this alteration is inconclusive. Since supporting evidence is limited at this time, the clinical significance of this alteration remains unclear.